The following is an entry in ClinVar:

NM_007294.4(BRCA1):c.1225G>T (p.Val409Leu)

Gene: BRCA1 (BRCA1 DNA repair associated; minus strand). Cytogenetic location: 17q21.31.
Variant type: single nucleotide variant.
Coding change: c.1225G>T on transcript NM_007294.4 (MANE Select); coding-DNA position 1225, G replaced by T.
Protein change: p.Val409Leu; replaces valine 409 with leucine.
Molecular consequence: missense variant. On other transcripts: intron variant (137).
Genome position (GRCh38, 1-based): chr17:43,094,306, C>A on the plus strand (G>T on the coding strand, the complement: BRCA1 is on the minus strand). VCF-style: chr17-43094306-C-A. GRCh37 (hg19) VCF-style: chr17-41246323-C-A.
Other names: c.787+438G>T (NM_001407981.1, NM_007298.4, NM_001407978.1 and 19 more transcripts); c.577+438G>T (NM_001408514.1, NM_001408485.1, NM_001408481.1 and 9 more transcripts); c.661+438G>T (NM_001408447.1, NM_001408446.1, NM_001408435.1 and 6 more transcripts); c.643+438G>T (NM_001408462.1, NM_001408468.1, NM_001408465.1 and 3 more transcripts); c.709+438G>T (NM_001408414.1, NM_001408411.1, NM_001408412.1 and 2 more transcripts); c.1012G>T, p.Val338Leu (NM_001407571.1, NM_001407915.1, NM_001407916.1 and 9 more transcripts); c.1225G>T, p.Val409Leu (NM_001407581.1, NM_001407582.1, NM_001407583.1 and 30 more transcripts); c.1222G>T, p.Val408Leu (NM_001407587.1, NM_001407590.1, NM_001407591.1 and 22 more transcripts); and 40 more; short protein forms V241L, V406L, V113L, V282L, V297L, V339L, V362L, V367L.
Identifiers: ClinVar variation 3992621 (VCV003992621.1).

ClinVar aggregate classification (germline): Uncertain significance (1 of 4 stars; one submission).

Conditions:
Hereditary cancer-predisposing syndrome. Also called: Tumor predisposition; Hereditary neoplastic syndrome; Neoplastic Syndromes, Hereditary; Hereditary Cancer Syndrome. Identifiers: Orphanet 140162, MedGen C0027672, MeSH D009386, MONDO:0015356.

Submission:

Ambry Genetics
Classification: Uncertain significance for Hereditary cancer-predisposing syndrome. Last evaluated: 2025-05-29. Review status: criteria provided, single submitter. Criteria: Ambry Variant Classification Scheme 2023. Collection method: clinical testing. Allele origin: germline.
Comment: The p.V409L variant (also known as c.1225G>T), located in coding exon 9 of the BRCA1 gene, results from a G to T substitution at nucleotide position 1225. The valine at codon 409 is replaced by leucine, an amino acid with highly similar properties. This variant was identified amongst 114 Korean individuals with a personal and family history of breast cancer (Kim HN et al. Chonnam Med J, 2019 May;55:99-103). This amino acid position is not well conserved in available vertebrate species. In addition, the in silico prediction for this alteration is inconclusive. Based on the available evidence, the clinical significance of this variant remains unclear.

Literature cited by the submitters: PubMed 31161121.